The following is an entry in ClinVar:

NM_024027.5(COLEC11):c.-26-670G>A

Gene: COLEC11 (collectin subfamily member 11; plus strand). Cytogenetic location: 2p25.3.
Variant type: single nucleotide variant.
Coding change: c.-26-670G>A on transcript NM_024027.5 (MANE Select); 670 bases into the intron before 26 bases upstream of the start codon, G replaced by A.
Molecular consequence: intron variant. On other transcripts: 5 prime UTR variant (1).
Genome position (GRCh38, 1-based): chr2:3,603,645, G>A. VCF-style: chr2-3603645-G-A. GRCh37 (hg19) VCF-style: chr2-3651235-G-A.
Other names: c.-1G>A (NM_001255985.1); c.-114-670G>A (NM_199235.3); c.-26-670G>A (NM_001255983.2, NM_001255982.2, NM_001255984.2).
Identifiers: ClinVar variation 3043473 (VCV003043473.3), dbSNP rs201886374, ClinGen allele CA1516755.

ClinVar aggregate classification (germline): Likely benign. Review status: criteria provided, single submitter (1 of 4 stars). 2 submissions from 2 submitters: Likely benign (1). 1 of the submissions does not count toward it. Last evaluated 2024-10-24.

Conditions:
COLEC11-related disorder. Also called: COLEC11-related condition.

Allele frequency attached by ClinVar (database versions not stated): 1000 Genomes Project 30x 0.00016; ExAC 0.00028; gnomAD 0.00043.

Submissions (2):

Blueprint Genetics
Classification: Likely benign. Last evaluated: 2024-10-24. Review status: criteria provided, single submitter. Criteria: ACMG Guidelines, 2015. Collection method: clinical testing. Allele origin: germline.

PreventionGenetics, part of Exact Sciences
Classification: Likely benign for COLEC11-related condition. Last evaluated: 2023-04-19. Review status: no assertion criteria provided. Collection method: clinical testing. Allele origin: germline. Not counted in ClinVar's aggregate classification.
Comment: This variant is classified as likely benign based on ACMG/AMP sequence variant interpretation guidelines (Richards et al. 2015 PMID: 25741868, with internal and published modifications).